The following is an entry in ClinVar:

ClinVar aggregate classification (germline): Uncertain significance (1 of 4 stars; one submission).

Allele frequency attached by ClinVar (database versions not stated): gnomAD 0.00001; gnomAD exomes 0.00001; ExAC 0.00002; TOPMed 0.00005.
gnomAD v4.1: 21 of 1,612,824 alleles (0.0013%); highest among the groups gnomAD compares: East Asian, 0.036%; no homozygotes.

Submission:

Labcorp Genetics (formerly Invitae), Labcorp
Classification: Uncertain significance. Last evaluated: 2024-04-08. Review status: criteria provided, single submitter. Criteria: Invitae Variant Classification Sherloc (09022015). Collection method: clinical testing. Allele origin: germline.
Comment: This sequence change falls in intron 84 of the HMCN1 gene. It does not directly change the encoded amino acid sequence of the HMCN1 protein. It affects a nucleotide within the consensus splice site. This variant is present in population databases (rs752766821, gnomAD 0.05%). This variant has not been reported in the literature in individuals affected with HMCN1-related conditions. Variants that disrupt the consensus splice site are a relatively common cause of aberrant splicing (PMID: 17576681, 9536098). Algorithms developed to predict the effect of sequence changes on RNA splicing suggest that this variant may disrupt the consensus splice site. In summary, the available evidence is currently insufficient to determine the role of this variant in disease. Therefore, it has been classified as a Variant of Uncertain Significance.

Literature cited by the submitters: PubMed 17576681; PubMed 9536098.

NM_031935.3(HMCN1):c.13039+5G>A

Gene: HMCN1 (hemicentin 1; plus strand). Cytogenetic location: 1q31.1.
Variant type: single nucleotide variant.
Coding change: c.13039+5G>A on transcript NM_031935.3 (MANE Select); 5 bases into the intron after coding-DNA position 13039, G replaced by A.
Molecular consequence: intron variant.
Genome position (GRCh38, 1-based): chr1:186,130,105, G>A. VCF-style: chr1-186130105-G-A. GRCh37 (hg19) VCF-style: chr1-186099237-G-A.
Identifiers: ClinVar variation 2920305 (VCV002920305.3), dbSNP rs752766821, ClinGen allele CA1294525.